The following is an entry in ClinVar:

NM_001161352.2(KCNMA1):c.2710-3A>T

Genes: KCNMA1 (potassium calcium-activated channel subfamily M alpha 1; minus strand), KCNMA1-AS1 (KCNMA1 antisense RNA 1; plus strand). Cytogenetic location: 10q22.3.
Variant type: single nucleotide variant.
Coding change: c.2710-3A>T on transcript NM_001161352.2 (MANE Select); 3 bases into the intron before coding-DNA position 2710, A replaced by T.
Molecular consequence: intron variant.
Genome position (GRCh38, 1-based): chr10:76,944,968, T>A on the plus strand (A>T on the coding strand, the complement: KCNMA1 is on the minus strand). VCF-style: chr10-76944968-T-A. GRCh37 (hg19) VCF-style: chr10-78704726-T-A.
Other names: c.2386-3A>T (NM_001271518.2); c.2536-3A>T (NM_001322832.2, NM_002247.4); c.2545-3A>T (NM_001322829.2, NM_001322836.2, NM_001271519.2); c.2548-3A>T (NM_001014797.3, NM_001322835.2, NM_001322837.2); c.2557-3A>T (NM_001322830.2); c.2083-3A>T (NM_001322838.2); c.2659-3A>T (NM_001161353.2).
Identifiers: ClinVar variation 1519415 (VCV001519415.6), dbSNP rs1214940006, ClinGen allele CA594712546.

ClinVar aggregate classification (germline): Uncertain significance (1 of 4 stars; one submission).

Conditions:
Generalized epilepsy-paroxysmal dyskinesia syndrome (PNKD3). Also called: Paroxysmal nonkinesigenic dyskinesia, 3, with or without generalized epilepsy; Generalized epilepsy and paroxysmal dyskinesia. Identifiers: Orphanet 79137, MedGen C5574945, MONDO:0012276, OMIM 609446.

Allele frequency attached by ClinVar (database versions not stated): gnomAD exomes below 0.00001 and 0.00001.
gnomAD v4.1: 7 of 1,613,130 alleles (0.00043%); highest among the groups gnomAD compares: South Asian, 0.0077%; no homozygotes.

Submission:

Labcorp Genetics (formerly Invitae), Labcorp
Classification: Uncertain significance for Generalized epilepsy-paroxysmal dyskinesia syndrome. Last evaluated: 2023-11-18. Review status: criteria provided, single submitter. Criteria: Invitae Variant Classification Sherloc (09022015). Collection method: clinical testing. Allele origin: germline.
Comment: This sequence change falls in intron 21 of the KCNMA1 gene. It does not directly change the encoded amino acid sequence of the KCNMA1 protein. It affects a nucleotide within the consensus splice site. This variant is present in population databases (no rsID available, gnomAD 0.003%). This variant has not been reported in the literature in individuals affected with KCNMA1-related conditions. ClinVar contains an entry for this variant (Variation ID: 1519415). Variants that disrupt the consensus splice site are a relatively common cause of aberrant splicing (PMID: 17576681, 9536098). Algorithms developed to predict the effect of sequence changes on RNA splicing suggest that this variant is not likely to affect RNA splicing. In summary, the available evidence is currently insufficient to determine the role of this variant in disease. Therefore, it has been classified as a Variant of Uncertain Significance.

Literature cited by the submitters: PubMed 17576681; PubMed 9536098.